The following is an entry in ClinVar:

NM_001605.3(AARS1):c.13C>G (p.Leu5Val)

Gene: AARS1 (alanyl-tRNA synthetase 1; minus strand). Cytogenetic location: 16q22.1.
Variant type: single nucleotide variant.
Coding change: c.13C>G on transcript NM_001605.3 (MANE Select); coding-DNA position 13, C replaced by G.
Protein change: p.Leu5Val; replaces leucine 5 with valine.
Molecular consequence: missense variant.
Genome position (GRCh38, 1-based): chr16:70,282,751, G>C on the plus strand (C>G on the coding strand, the complement: AARS1 is on the minus strand). VCF-style: chr16-70282751-G-C. GRCh37 (hg19) VCF-style: chr16-70316654-G-C.
Other names: short protein forms L5V.
Identifiers: ClinVar variation 2085447 (VCV002085447.4), dbSNP rs913427692, ClinGen allele CA283453968.
Genomic context (GRCh38, chr16:70,282,751, plus strand): 5'-ACGTATGCTCGTTCCTCTTGAAGAAATCTATAAATCGCTGCCGGATTTCACTTGCTGTTA[G>C]AGTAGAGTCCATCTTGAAAGTCACCCCAAAGAACTAATCAAAGAAAAAAAAATGAAGGAA-3'
Protein context (NP_001596.2, residues 1-15): MDST[Leu5Val]TASEIRQRFI

ClinVar aggregate classification (germline): Uncertain significance (1 of 4 stars; one submission).

Conditions:
Charcot-Marie-Tooth disease type 2. Also called: Charcot-Marie-Tooth type 2. Identifiers: Orphanet 64746, MedGen C0270914, MONDO:0018993.

Allele frequency attached by ClinVar (database versions not stated): gnomAD exomes below 0.00001.

Submission:

Labcorp Genetics (formerly Invitae), Labcorp
Classification: Uncertain significance for Charcot-Marie-Tooth disease type 2. Last evaluated: 2022-07-15. Review status: criteria provided, single submitter. Criteria: Invitae Variant Classification Sherloc (09022015). Collection method: clinical testing. Allele origin: germline.
Comment: This sequence change replaces leucine, which is neutral and non-polar, with valine, which is neutral and non-polar, at codon 5 of the AARS protein (p.Leu5Val). This variant is present in population databases (no rsID available, gnomAD 0.003%). This variant has not been reported in the literature in individuals affected with AARS-related conditions. Algorithms developed to predict the effect of missense changes on protein structure and function are either unavailable or do not agree on the potential impact of this missense change (SIFT: "Tolerated"; PolyPhen-2: "Possibly Damaging"; Align-GVGD: "Class C0"). In summary, the available evidence is currently insufficient to determine the role of this variant in disease. Therefore, it has been classified as a Variant of Uncertain Significance.